The following is an entry in ClinVar:

ClinVar aggregate classification (germline): Uncertain significance (1 of 4 stars; one submission).

Allele frequency attached by ClinVar (database versions not stated): gnomAD exomes below 0.00001.
gnomAD v4.1: 2 of 1,613,924 alleles (0.00012%); highest among the groups gnomAD compares: Non-Finnish European, 0.00017%; no homozygotes.

Submission:

Labcorp Genetics (formerly Invitae), Labcorp
Classification: Uncertain significance. Last evaluated: 2023-12-19. Review status: criteria provided, single submitter. Criteria: Invitae Variant Classification Sherloc (09022015). Collection method: clinical testing. Allele origin: germline.
Comment: This sequence change replaces glycine, which is neutral and non-polar, with alanine, which is neutral and non-polar, at codon 88 of the SAMD9L protein (p.Gly88Ala). This variant is not present in population databases (gnomAD no frequency). This variant has not been reported in the literature in individuals affected with SAMD9L-related conditions. An algorithm developed to predict the effect of missense changes on protein structure and function (PolyPhen-2) suggests that this variant is likely to be tolerated. In summary, the available evidence is currently insufficient to determine the role of this variant in disease. Therefore, it has been classified as a Variant of Uncertain Significance.

NM_152703.5(SAMD9L):c.263G>C (p.Gly88Ala)

Gene: SAMD9L (sterile alpha motif domain containing 9 like; minus strand). Cytogenetic location: 7q21.2.
Variant type: single nucleotide variant.
Coding change: c.263G>C on transcript NM_152703.5 (MANE Select); coding-DNA position 263, G replaced by C.
Protein change: p.Gly88Ala; replaces glycine 88 with alanine.
Molecular consequence: missense variant.
Genome position (GRCh38, 1-based): chr7:93,135,709, C>G on the plus strand (G>C on the coding strand, the complement: SAMD9L is on the minus strand). VCF-style: chr7-93135709-C-G. GRCh37 (hg19) VCF-style: chr7-92765022-C-G.
Other names: c.263G>C, p.Gly88Ala (NM_001303496.3, NM_001303497.3, NM_001303498.3 and 5 more transcripts); short protein forms G88A.
Identifiers: ClinVar variation 2772829 (VCV002772829.3), dbSNP rs2535440007, ClinGen allele CA368206389.